The following is an entry in ClinVar:

ClinVar aggregate classification (germline): Benign/Likely benign. Review status: criteria provided, multiple submitters, no conflicts (2 of 4 stars). 3 submissions from 3 submitters: Benign (1); Likely benign (2). Last evaluated 2025-11-18.

Conditions:
Hereditary cancer-predisposing syndrome. Also called: Hereditary neoplastic syndrome; Neoplastic Syndromes, Hereditary; Tumor predisposition; Hereditary Cancer Syndrome. Identifiers: Orphanet 140162, MedGen C0027672, MeSH D009386, MONDO:0015356.
Fanconi anemia complementation group J. Also called: BRIP1-Related Fanconi Anemia. Identifiers: Orphanet 84, MedGen C1836860, MONDO:0012187, OMIM 609054.
Familial cancer of breast. Also called: BREAST CANCER, FAMILIAL; hereditary breast carcinoma; Hereditary breast cancer. Identifiers: Orphanet 227535, MedGen C0346153, MONDO:0016419, OMIM 114480. Disease mechanism: loss of function.

Allele frequency attached by ClinVar (database versions not stated): TOPMed below 0.00001; gnomAD 0.00001; ESP Exome Variant Server 0.00008.
gnomAD v4.1: 8 of 1,613,822 alleles (0.0005%); highest among the groups gnomAD compares: African/African-American, 0.0027%; no homozygotes.

Submissions (3):

Labcorp Genetics (formerly Invitae), Labcorp
Classification: Likely benign for Familial cancer of breast; Fanconi anemia complementation group J. Last evaluated: 2025-11-18. Review status: criteria provided, single submitter. Criteria: Invitae Variant Classification Sherloc (09022015). Collection method: clinical testing. Allele origin: germline.

Myriad Genetics, Inc.
Classification: Benign for Familial cancer of breast. Last evaluated: 2024-09-04. Review status: criteria provided, single submitter. Criteria: Myriad Autosomal Dominant, Autosomal Recessive and X-Linked Classification Criteria (2023). Collection method: clinical testing. Allele origin: unknown.
Comment: This variant is considered benign. This variant is a silent/synonymous amino acid change and it is not expected to impact splicing.

Ambry Genetics
Classification: Likely benign for Hereditary cancer-predisposing syndrome. Last evaluated: 2017-10-30. Review status: criteria provided, single submitter. Criteria: Ambry Variant Classification Scheme 2023. Collection method: clinical testing. Allele origin: germline.

NM_032043.3(BRIP1):c.2301G>A (p.Glu767=)

Gene: BRIP1 (BRCA1 interacting DNA helicase 1; minus strand). Cytogenetic location: 17q23.2.
Variant type: single nucleotide variant.
Coding change: c.2301G>A on transcript NM_032043.3 (MANE Select); coding-DNA position 2301, G replaced by A.
Protein change: p.Glu767=; no amino-acid change (glutamic acid 767 retained).
Molecular consequence: synonymous variant.
Genome position (GRCh38, 1-based): chr17:61,743,091, C>T on the plus strand (G>A on the coding strand, the complement: BRIP1 is on the minus strand). VCF-style: chr17-61743091-C-T. GRCh37 (hg19) VCF-style: chr17-59820452-C-T.
Identifiers: ClinVar variation 461102 (VCV000461102.15), dbSNP rs369434185, ClinGen allele CA8690554.
Genomic context (GRCh38, chr17:61,743,091, plus strand): 5'-TGGAAAAGGAATTCCTATTGTTATGACAGCACGGGCATTGTCATCTGAGAAATCCAGACC[C>T]TCACTCACTTTACCACGACAAACTGCTACCAGGAGAGCTCCATCTTAAACAACAGAAAAA-3'
Protein context (NP_114432.2, residues 757-777): LVAVCRGKVS[Glu767=]GLDFSDDNAR